The following is an entry in ClinVar:

NM_206933.4(USH2A):c.8705T>C (p.Leu2902Pro)

Gene: USH2A (usherin; minus strand). Cytogenetic location: 1q41.
Variant type: single nucleotide variant.
Coding change: c.8705T>C on transcript NM_206933.4 (MANE Select); coding-DNA position 8705, T replaced by C.
Protein change: p.Leu2902Pro; replaces leucine 2902 with proline.
Molecular consequence: missense variant.
Genome position (GRCh38, 1-based): chr1:215,867,147, A>G on the plus strand (T>C on the coding strand, the complement: USH2A is on the minus strand). VCF-style: chr1-215867147-A-G. GRCh37 (hg19) VCF-style: chr1-216040489-A-G.
Other names: short protein forms L2902P.
Identifiers: ClinVar variation 1385934 (VCV001385934.7), dbSNP rs2102440783, ClinGen allele CA344851479.

ClinVar aggregate classification (germline): Uncertain significance. Review status: criteria provided, multiple submitters, no conflicts (2 of 4 stars). 2 submissions from 2 submitters: Uncertain significance (2). Last evaluated 2022-07-06.

Submissions (2):

Labcorp Genetics (formerly Invitae), Labcorp
Classification: Uncertain significance. Last evaluated: 2022-07-06. Review status: criteria provided, single submitter. Criteria: Invitae Variant Classification Sherloc (09022015). Collection method: clinical testing. Allele origin: germline.
Comment: In summary, the available evidence is currently insufficient to determine the role of this variant in disease. Therefore, it has been classified as a Variant of Uncertain Significance. Algorithms developed to predict the effect of missense changes on protein structure and function (SIFT, PolyPhen-2, Align-GVGD) all suggest that this variant is likely to be disruptive. ClinVar contains an entry for this variant (Variation ID: 1385934). This variant has not been reported in the literature in individuals affected with USH2A-related conditions. This variant is not present in population databases (gnomAD no frequency). This sequence change replaces leucine, which is neutral and non-polar, with proline, which is neutral and non-polar, at codon 2902 of the USH2A protein (p.Leu2902Pro).

Blueprint Genetics
Classification: Uncertain significance. Last evaluated: 2018-06-28. Review status: criteria provided, single submitter. Criteria: ACMG Guidelines, 2015. Collection method: clinical testing. Allele origin: germline.